The following is an entry in ClinVar:

ClinVar aggregate classification (germline): Uncertain significance (1 of 4 stars; one submission).

Conditions:
Fanconi anemia (FA). Also called: Fanconi's anemia. Identifiers: Orphanet 84, MedGen C0015625, MeSH D005199, MONDO:0019391.

Submission:

Labcorp Genetics (formerly Invitae), Labcorp
Classification: Uncertain significance for Fanconi anemia. Last evaluated: 2021-04-23. Review status: criteria provided, single submitter. Criteria: Invitae Variant Classification Sherloc (09022015). Collection method: clinical testing. Allele origin: germline.
Comment: Advanced modeling of protein sequence and biophysical properties (such as structural, functional, and spatial information, amino acid conservation, physicochemical variation, residue mobility, and thermodynamic stability) performed at Invitae indicates that this missense variant is not expected to disrupt FANCA protein function. In summary, the available evidence is currently insufficient to determine the role of this variant in disease. Therefore, it has been classified as a Variant of Uncertain Significance. This sequence change replaces lysine with glutamic acid at codon 76 of the FANCA protein (p.Lys76Glu). The lysine residue is weakly conserved and there is a small physicochemical difference between lysine and glutamic acid. This variant is not present in population databases (ExAC no frequency). This variant has not been reported in the literature in individuals with FANCA-related conditions.

NM_000135.4(FANCA):c.226A>G (p.Lys76Glu)

Gene: FANCA (FA complementation group A; minus strand). Cytogenetic location: 16q24.3.
Variant type: single nucleotide variant.
Coding change: c.226A>G on transcript NM_000135.4 (MANE Select); coding-DNA position 226, A replaced by G.
Protein change: p.Lys76Glu; replaces lysine 76 with glutamic acid.
Molecular consequence: missense variant.
Genome position (GRCh38, 1-based): chr16:89,814,577, T>C on the plus strand (A>G on the coding strand, the complement: FANCA is on the minus strand). VCF-style: chr16-89814577-T-C. GRCh37 (hg19) VCF-style: chr16-89880985-T-C.
Other names: c.226A>G, p.Lys76Glu (NM_001018112.3, NM_001286167.3, NM_001351830.2); short protein forms K76E.
Identifiers: ClinVar variation 1388546 (VCV001388546.8), dbSNP rs2143711335, ClinGen allele CA397482545.